The following is an entry in ClinVar:

ClinVar aggregate classification (germline): Uncertain significance (1 of 4 stars; one submission).

Submission:

GeneDx
Classification: Uncertain significance. Last evaluated: 2025-05-29. Review status: criteria provided, single submitter. Criteria: GeneDx Variant Classification Process June 2021. Collection method: clinical testing. Allele origin: germline. Affected: yes.
Comment: Not observed at significant frequency in large population cohorts (gnomAD); In silico analysis supports that this missense variant has a deleterious effect on protein structure/function; Has not been previously published as pathogenic or benign to our knowledge

NM_001040716.2(PC):c.3335T>A (p.Ile1112Asn)

Gene: PC (pyruvate carboxylase; minus strand). Cytogenetic location: 11q13.2.
Variant type: single nucleotide variant.
Coding change: c.3335T>A on transcript NM_001040716.2 (MANE Select); coding-DNA position 3335, T replaced by A.
Protein change: p.Ile1112Asn; replaces isoleucine 1112 with asparagine.
Molecular consequence: missense variant.
Genome position (GRCh38, 1-based): chr11:66,849,101, A>T on the plus strand (T>A on the coding strand, the complement: PC is on the minus strand). VCF-style: chr11-66849101-A-T. GRCh37 (hg19) VCF-style: chr11-66616572-A-T.
Other names: c.3335T>A, p.Ile1112Asn (NM_001439357.1, NM_001439358.1, NM_001439359.1 and 5 more transcripts); short protein forms I1112N.
Identifiers: ClinVar variation 4532540 (VCV004532540.1).